The following is an entry in ClinVar:

NM_005356.5(LCK):c.187G>A (p.Asp63Asn)

Gene: LCK (LCK proto-oncogene, Src family tyrosine kinase; plus strand). Cytogenetic location: 1p35.2.
Variant type: single nucleotide variant.
Coding change: c.187G>A on transcript NM_005356.5 (MANE Select); coding-DNA position 187, G replaced by A.
Protein change: p.Asp63Asn; replaces aspartic acid 63 with asparagine.
Molecular consequence: missense variant.
Genome position (GRCh38, 1-based): chr1:32,274,818, G>A. VCF-style: chr1-32274818-G-A. GRCh37 (hg19) VCF-style: chr1-32740419-G-A.
Other names: c.187G>A, p.Asp63Asn (NM_001042771.3, NM_001330468.2); short protein forms D63N.
Identifiers: ClinVar variation 2172946 (VCV002172946.4), dbSNP rs2521639894, ClinGen allele CA339636181.
Genomic context (GRCh38, chr1:32,274,818, plus strand): 5'-GAGGTGCGGGACCCACTGGTTACCTACGAAGGCTCCAATCCGCCGGCTTCCCCACTGCAA[G>A]GTGACCCCAGGCAGCAGGGCCTGAAAGACAAGGCCTGCGGATCCCTGGCTGTTGGCTTCC-3'
Protein context (NP_005347.3, residues 53-73): GSNPPASPLQ[Asp63Asn]NLVIALHSYE

ClinVar aggregate classification (germline): Uncertain significance (1 of 4 stars; one submission).

Conditions:
Severe combined immunodeficiency due to LCK deficiency. Also called: Immunodeficiency 22. Identifiers: Orphanet 280142, MedGen C4014233, MONDO:0014334, OMIM 615758.

Submission:

Labcorp Genetics (formerly Invitae), Labcorp
Classification: Uncertain significance for Severe combined immunodeficiency due to LCK deficiency. Last evaluated: 2023-11-27. Review status: criteria provided, single submitter. Criteria: Invitae Variant Classification Sherloc (09022015). Collection method: clinical testing. Allele origin: germline.
Comment: This sequence change replaces aspartic acid, which is acidic and polar, with asparagine, which is neutral and polar, at codon 63 of the LCK protein (p.Asp63Asn). This variant also falls at the last nucleotide of exon 3, which is part of the consensus splice site for this exon. This variant is not present in population databases (gnomAD no frequency). This variant has not been reported in the literature in individuals affected with LCK-related conditions. ClinVar contains an entry for this variant (Variation ID: 2172946). An algorithm developed to predict the effect of missense changes on protein structure and function (PolyPhen-2) suggests that this variant is likely to be disruptive. Variants that disrupt the consensus splice site are a relatively common cause of aberrant splicing (PMID: 17576681, 9536098). Algorithms developed to predict the effect of sequence changes on RNA splicing suggest that this variant may disrupt the consensus splice site. In summary, the available evidence is currently insufficient to determine the role of this variant in disease. Therefore, it has been classified as a Variant of Uncertain Significance.

Literature cited by the submitters: PubMed 17576681; PubMed 9536098.